The following is an entry in ClinVar:

ClinVar aggregate classification (germline): Benign. Review status: criteria provided, multiple submitters, no conflicts (2 of 4 stars). 2 submissions from 2 submitters: Benign (2). Last evaluated 2019-04-19.

Allele frequency attached by ClinVar (database versions not stated): 1000 Genomes Project 0.13678; 1000 Genomes Project 30x 0.13835; gnomAD exomes 0.19781 and 0.24336; ExAC 0.20337; TOPMed 0.20692; gnomAD 0.20996 and 0.21575; ESP Exome Variant Server 0.23031.
gnomAD v4.1: 381,685 of 1,594,736 alleles (24%); highest among the groups gnomAD compares: Non-Finnish European, 27%; 49,306 homozygotes.

Submissions (2):

GeneDx
Classification: Benign. Last evaluated: 2019-04-19. Review status: criteria provided, single submitter. Criteria: GeneDx Variant Classification Process June 2021. Collection method: clinical testing. Allele origin: germline. Affected: yes.
Comment: This variant is associated with the following publications: (PMID: 30679340)

Breakthrough Genomics
Classification: Benign. Review status: criteria provided, single submitter. Criteria: ACMG Guidelines, 2015. Collection method: not provided. Allele origin: germline. Inheritance: Autosomal recessive inheritance. Affected: yes.

NM_001017975.6(HFM1):c.343T>C (p.Ser115Pro)

Gene: HFM1 (helicase for meiosis 1; minus strand). Cytogenetic location: 1p22.2.
Variant type: single nucleotide variant.
Coding change: c.343T>C on transcript NM_001017975.6 (MANE Select); coding-DNA position 343, T replaced by C.
Protein change: p.Ser115Pro; replaces serine 115 with proline.
Molecular consequence: missense variant. On other transcripts: non-coding transcript variant (1).
Genome position (GRCh38, 1-based): chr1:91,394,244, A>G on the plus strand (T>C on the coding strand, the complement: HFM1 is on the minus strand). VCF-style: chr1-91394244-A-G. GRCh37 (hg19) VCF-style: chr1-91859801-A-G.
Other names: short protein forms S115P.
Identifiers: ClinVar variation 1277748 (VCV001277748.2), dbSNP rs11165778, ClinGen allele CA946531.